The following is an entry in ClinVar:

ClinVar aggregate classification (germline): Uncertain significance (1 of 4 stars; one submission).

Submission:

Labcorp Genetics (formerly Invitae), Labcorp
Classification: Uncertain significance. Last evaluated: 2026-01-19. Review status: criteria provided, single submitter. Criteria: Invitae Variant Classification Sherloc (09022015). Collection method: clinical testing. Allele origin: germline.
Comment: This sequence change replaces glutamine, which is neutral and polar, with histidine, which is basic and polar, at codon 124 of the TCIRG1 protein (p.Gln124His). This variant is not present in population databases (gnomAD no frequency). This variant has not been reported in the literature in individuals affected with TCIRG1-related conditions. Invitae Evidence Modeling of protein sequence and biophysical properties (such as structural, functional, and spatial information, amino acid conservation, physicochemical variation, residue mobility, and thermodynamic stability) indicates that this missense variant is expected to disrupt TCIRG1 protein function with a positive predictive value of 80%. In summary, the available evidence is currently insufficient to determine the role of this variant in disease. Therefore, it has been classified as a Variant of Uncertain Significance.

NM_006019.4(TCIRG1):c.372G>C (p.Gln124His)

Gene: TCIRG1 (T cell immune regulator 1, ATPase H+ transporting V0 subunit a3; plus strand). Cytogenetic location: 11q13.2.
Variant type: single nucleotide variant.
Coding change: c.372G>C on transcript NM_006019.4 (MANE Select); coding-DNA position 372, G replaced by C.
Protein change: p.Gln124His; replaces glutamine 124 with histidine.
Molecular consequence: missense variant. On other transcripts: 5 prime UTR variant (1), intron variant (1).
Genome position (GRCh38, 1-based): chr11:68,042,818, G>C. VCF-style: chr11-68042818-G-C. GRCh37 (hg19) VCF-style: chr11-67810285-G-C.
Other names: c.-878G>C (NM_001351059.2); c.372G>C, p.Gln124His (NM_001440552.1, NM_001440553.1, NM_001440554.1 and 9 more transcripts); c.330G>C, p.Gln110His (NM_001440555.1, NM_001440556.1, NM_001440563.1 and 2 more transcripts); c.118-128G>C (NM_001440565.1); short protein forms Q110H, Q124H.
Identifiers: ClinVar variation 4745047 (VCV004745047.1).